The following is an entry in ClinVar:

ClinVar aggregate classification (germline): Uncertain significance. Review status: criteria provided, multiple submitters, no conflicts (2 of 4 stars). 3 submissions from 3 submitters: Uncertain significance (3). Last evaluated 2024-11-22.

Allele frequency attached by ClinVar (database versions not stated): gnomAD 0.00007 and 0.00008; gnomAD exomes 0.00007 and 0.00008; ExAC 0.00008; TOPMed 0.00009; ESP Exome Variant Server 0.00015; 1000 Genomes Project 30x 0.00016; 1000 Genomes Project 0.00020.
gnomAD v4.1: 111 of 1,613,252 alleles (0.0069%); highest among the groups gnomAD compares: Middle Eastern, 0.033%; no homozygotes.

Submissions (3):

Blueprint Genetics
Classification: Uncertain significance. Last evaluated: 2024-11-22. Review status: criteria provided, single submitter. Criteria: ACMG Guidelines, 2015. Collection method: clinical testing. Allele origin: germline.

Labcorp Genetics (formerly Invitae), Labcorp
Classification: Uncertain significance. Last evaluated: 2024-10-30. Review status: criteria provided, single submitter. Criteria: Invitae Variant Classification Sherloc (09022015). Collection method: clinical testing. Allele origin: germline.
Comment: This sequence change replaces arginine, which is basic and polar, with histidine, which is basic and polar, at codon 725 of the ZNF341 protein (p.Arg725His). This variant is present in population databases (rs149505635, gnomAD 0.02%). This variant has not been reported in the literature in individuals affected with ZNF341-related conditions. ClinVar contains an entry for this variant (Variation ID: 1394280). An algorithm developed to predict the effect of missense changes on protein structure and function (PolyPhen-2) suggests that this variant is likely to be disruptive. In summary, the available evidence is currently insufficient to determine the role of this variant in disease. Therefore, it has been classified as a Variant of Uncertain Significance.

Breakthrough Genomics
Classification: Uncertain significance. Review status: criteria provided, single submitter. Criteria: ACMG Guidelines, 2015. Collection method: not provided. Allele origin: germline. Inheritance: Autosomal dominant inheritance. Affected: yes.

NM_001282933.2(ZNF341):c.2195G>A (p.Arg732His)

Genes: ZNF341 (zinc finger protein 341; plus strand), ZNF341-AS1 (ZNF341 antisense RNA 1; minus strand). Cytogenetic location: 20q11.22.
Variant type: single nucleotide variant.
Coding change: c.2195G>A on transcript NM_001282933.2 (MANE Select); coding-DNA position 2195, G replaced by A.
Protein change: p.Arg732His; replaces arginine 732 with histidine.
Molecular consequence: missense variant. On other transcripts: non-coding transcript variant (1).
Genome position (GRCh38, 1-based): chr20:33,791,147, G>A. VCF-style: chr20-33791147-G-A. GRCh37 (hg19) VCF-style: chr20-32378953-G-A.
Other names: c.1925G>A, p.Arg642His (NM_001282935.2); c.2174G>A, p.Arg725His (NM_032819.5); short protein forms R725H, R642H, R732H.
Identifiers: ClinVar variation 1394280 (VCV001394280.6), dbSNP rs149505635, ClinGen allele CA9819733.